The following is an entry in ClinVar:

ClinVar aggregate classification (germline): Conflicting classifications of pathogenicity. Review status: criteria provided, conflicting classifications (1 of 4 stars). 3 submissions from 3 submitters: Uncertain significance (2); Likely benign (1). Last evaluated 2025-09-04.

Conditions:
Autosomal recessive limb-girdle muscular dystrophy type 2J (LGMDR10). Also called: Limb-girdle muscular dystrophy, type 2J; MUSCULAR DYSTROPHY, LIMB-GIRDLE, AUTOSOMAL RECESSIVE 10. Identifiers: Orphanet 140922, MedGen C1837342, MONDO:0012127, OMIM 608807.
Dilated cardiomyopathy 1G (CMD1G). Identifiers: Orphanet 154, MedGen C1858763, MONDO:0011400, OMIM 604145.

Allele frequency attached by ClinVar (database versions not stated): gnomAD exomes below 0.00001; gnomAD 0.00001; TOPMed 0.00001.

Submissions (3):

Labcorp Genetics (formerly Invitae), Labcorp
Classification: Uncertain significance for Dilated cardiomyopathy 1G; Autosomal recessive limb-girdle muscular dystrophy type 2J. Last evaluated: 2025-09-04. Review status: criteria provided, single submitter. Criteria: Invitae Variant Classification Sherloc (09022015). Collection method: clinical testing. Allele origin: germline.
Comment: This sequence change replaces arginine, which is basic and polar, with cysteine, which is neutral and slightly polar, at codon 34594 of the TTN protein (p.Arg34594Cys). This variant is present in population databases (no rsID available, gnomAD 0.002%). This variant has not been reported in the literature in individuals affected with TTN-related conditions. ClinVar contains an entry for this variant (Variation ID: 1517969). Experimental studies and prediction algorithms are not available or were not evaluated, and the functional significance of this variant is currently unknown. This variant is located in the M band of TTN (PMID: 25589632). Non-truncating variants in this region may be relevant for neuromuscular disorders, but have not been definitively shown to cause cardiomyopathy (PMID: 23975875). In summary, the available evidence is currently insufficient to determine the role of this variant in disease. Therefore, it has been classified as a Variant of Uncertain Significance.

Women's Health and Genetics/Laboratory Corporation of America, LabCorp
Classification: Uncertain significance. Last evaluated: 2022-09-08. Review status: criteria provided, single submitter. Criteria: LabCorp Variant Classification Summary - May 2015. Collection method: clinical testing. Allele origin: germline.
Comment: Variant summary: TTN c.96076C>T (p.Arg32026Cys) results in a non-conservative amino acid change located in the M-band region of the encoded protein sequence. Three of four in-silico tools predict a damaging effect of the variant on protein function. The variant allele was found at a frequency of 4e-06 in 248922 control chromosomes (gnomAD). The available data on variant occurrences in the general population are insufficient to allow any conclusion about variant significance. To our knowledge, no occurrence of c.96076C>T in individuals affected with TTN-Related Disorders and no experimental evidence demonstrating its impact on protein function have been reported. A ClinVar submitter (evaluation after 2014) cites the variant as uncertain significance. Based on the evidence outlined above, the variant was classified as uncertain significance.

Blueprint Genetics
Classification: Likely benign. Last evaluated: 2021-09-09. Review status: criteria provided, single submitter. Criteria: ACMG Guidelines, 2015. Collection method: clinical testing. Allele origin: germline.

Literature cited by the submitters: PubMed 25589632 (cited by Labcorp Genetics (formerly Invitae), Labcorp); PubMed 23975875 (cited by Labcorp Genetics (formerly Invitae), Labcorp).

NM_001267550.2(TTN):c.103780C>T (p.Arg34594Cys)

Genes: TTN (titin; minus strand), TTN-AS1 (TTN antisense RNA 1; plus strand). Cytogenetic location: 2q31.2.
Variant type: single nucleotide variant.
Coding change: c.103780C>T on transcript NM_001267550.2 (MANE Select); coding-DNA position 103780, C replaced by T.
Protein change: p.Arg34594Cys; replaces arginine 34594 with cysteine.
Molecular consequence: missense variant.
Genome position (GRCh38, 1-based): chr2:178,532,835, G>A on the plus strand (C>T on the coding strand, the complement: TTN is on the minus strand). VCF-style: chr2-178532835-G-A. GRCh37 (hg19) VCF-style: chr2-179397562-G-A.
Other names: c.98857C>T, p.Arg32953Cys (NM_001256850.1); c.76585C>T, p.Arg25529Cys (NM_003319.4); c.96076C>T, p.Arg32026Cys (NM_133378.4); c.76960C>T, p.Arg25654Cys (NM_133432.3); c.77161C>T, p.Arg25721Cys (NM_133437.4); short protein forms R25654C, R25721C, R34594C, R25529C, R32026C, R32953C.
Identifiers: ClinVar variation 1517969 (VCV001517969.8), dbSNP rs879240376, ClinGen allele CA60956830.